The following is an entry in ClinVar:

ClinVar aggregate classification (germline): Uncertain significance (1 of 4 stars; one submission).

Submission:

Labcorp Genetics (formerly Invitae), Labcorp
Classification: Uncertain significance. Last evaluated: 2024-02-06. Review status: criteria provided, single submitter. Criteria: Invitae Variant Classification Sherloc (09022015). Collection method: clinical testing. Allele origin: germline.
Comment: This sequence change affects codon 19 of the ICOSLG mRNA. It is a 'silent' change, meaning that it does not change the encoded amino acid sequence of the ICOSLG protein. This variant is not present in population databases (gnomAD no frequency). This variant has not been reported in the literature in individuals affected with ICOSLG-related conditions. Algorithms developed to predict the effect of sequence changes on RNA splicing suggest that this variant may disrupt the consensus splice site. In summary, the available evidence is currently insufficient to determine the role of this variant in disease. Therefore, it has been classified as a Variant of Uncertain Significance.

NM_015259.6(ICOSLG):c.57T>C (p.Asp19=)

Gene: ICOSLG (inducible T cell costimulator ligand; minus strand). Cytogenetic location: 21q22.3.
Variant type: single nucleotide variant.
Coding change: c.57T>C on transcript NM_015259.6 (MANE Select); coding-DNA position 57, T replaced by C.
Protein change: p.Asp19=; no amino-acid change (aspartic acid 19 retained).
Molecular consequence: synonymous variant. On other transcripts: 5 prime UTR variant (1), intron variant (2).
Genome position (GRCh38, 1-based): chr21:44,237,216, A>G on the plus strand (T>C on the coding strand, the complement: ICOSLG is on the minus strand). VCF-style: chr21-44237216-A-G. GRCh37 (hg19) VCF-style: chr21-45657099-A-G.
Other names: c.57T>C, p.Asp19= (NM_001283050.2, NM_001395918.1); c.-25T>C (NM_001365759.2); c.55+1232T>C (NM_001283051.2); c.-48-151T>C (NM_001283052.2).
Identifiers: ClinVar variation 3639134 (VCV003639134.2).
Genomic context (GRCh38, chr21:44,237,216, plus strand): 5'-GCAAGCGCAGCTGAGCTCCACGTCGCTGCCTACCATCGCTCTGACTTCCTTCTCCTGAGT[A>G]TCTGCAATGGCCCAAAAGGTGCAAAATCTGTTTTCGGAGGCTGATGCCCAGGCCATGAAG-3'
Protein context (NP_056074.1, residues 9-29): LFLLFSSLRA[Asp19=]TQEKEVRAMV